The following is an entry in ClinVar:

NM_007294.4(BRCA1):c.2948T>G (p.Leu983Arg)

Gene: BRCA1 (BRCA1 DNA repair associated; minus strand). Cytogenetic location: 17q21.31.
Variant type: single nucleotide variant.
Coding change: c.2948T>G on transcript NM_007294.4 (MANE Select); coding-DNA position 2948, T replaced by G.
Protein change: p.Leu983Arg; replaces leucine 983 with arginine.
Molecular consequence: missense variant. On other transcripts: intron variant (137).
Genome position (GRCh38, 1-based): chr17:43,092,583, A>C on the plus strand (T>G on the coding strand, the complement: BRCA1 is on the minus strand). VCF-style: chr17-43092583-A-C. GRCh37 (hg19) VCF-style: chr17-41244600-A-C.
Other names: c.2822T>G, p.Leu941Arg (NM_001407649.1, NM_001407672.1, NM_001407673.1 and 11 more transcripts); c.644-1551T>G (NM_001408464.1, NM_001408468.1, NM_001408470.1 and 3 more transcripts); c.524-1551T>G (NM_001408498.1, NM_001408500.1, NM_001408497.1 and 3 more transcripts); c.647-1551T>G (NM_001408467.1, NM_001408459.1, NM_001408466.1 and 11 more transcripts); c.584-1551T>G (NM_001408475.1); c.2948T>G, p.Leu983Arg (NM_001407652.1, NM_001407581.1, NM_001407582.1 and 30 more transcripts); c.2870T>G, p.Leu957Arg (NM_001407653.1, NM_001407654.1, NM_001407655.1 and 4 more transcripts); c.710-1551T>G (NM_001408412.1, NM_001408409.1, NM_001408414.1 and 2 more transcripts); and 41 more; short protein forms L936R, L983R, L687R, L855R, L872R, L957R, L982R, L856R.
Identifiers: ClinVar variation 1367257 (VCV001367257.11), dbSNP rs2154350949, ClinGen allele CA10596101.

ClinVar aggregate classification (germline): Conflicting classifications of pathogenicity. Review status: criteria provided, conflicting classifications (1 of 4 stars). 2 submissions from 2 submitters: Uncertain significance (1); Likely benign (1). Last evaluated 2023-03-23.

Conditions:
Hereditary cancer-predisposing syndrome. Also called: Neoplastic Syndromes, Hereditary; Tumor predisposition; Hereditary neoplastic syndrome; Hereditary Cancer Syndrome. Identifiers: Orphanet 140162, MedGen C0027672, MeSH D009386, MONDO:0015356.
Hereditary breast ovarian cancer syndrome. Also called: Hereditary breast and ovarian cancer; Hereditary breast and/or ovarian cancer syndrome; BRCA1- and BRCA2-Associated Hereditary Breast and Ovarian Cancer; Hereditary breast and ovarian cancer syndrome; Hereditary breast and ovarian cancer syndrome (HBOC); Breast and ovarian cancer. Identifiers: Orphanet 145, MedGen C0677776, MeSH D061325, MONDO:0003582. Disease mechanism: loss of function.

Submissions (2):

University of Washington Department of Laboratory Medicine, University of Washington
Classification: Likely benign for Hereditary cancer-predisposing syndrome. Last evaluated: 2023-03-23. Review status: criteria provided, single submitter. Criteria: Dines et al. (Genet Med. 2020). Collection method: curation. Allele origin: germline.
Comment: Missense variant in a coldspot region where missense variants are very unlikely to be pathogenic (PMID:31911673).

BRCA1 coldspot (exon 11 using historical exon numbering). Reclassification based on statistical prior probability

Labcorp Genetics (formerly Invitae), Labcorp
Classification: Uncertain significance for Hereditary breast ovarian cancer syndrome. Last evaluated: 2021-07-13. Review status: criteria provided, single submitter. Criteria: Invitae Variant Classification Sherloc (09022015). Collection method: clinical testing. Allele origin: germline.
Comment: In summary, the available evidence is currently insufficient to determine the role of this variant in disease. Therefore, it has been classified as a Variant of Uncertain Significance. Advanced modeling of protein sequence and biophysical properties (such as structural, functional, and spatial information, amino acid conservation, physicochemical variation, residue mobility, and thermodynamic stability) performed at Invitae indicates that this missense variant is not expected to disrupt BRCA1 protein function. This variant has not been reported in the literature in individuals affected with BRCA1-related conditions. This variant is not present in population databases (ExAC no frequency). This sequence change replaces leucine with arginine at codon 983 of the BRCA1 protein (p.Leu983Arg). The leucine residue is moderately conserved and there is a moderate physicochemical difference between leucine and arginine.